The following is an entry in ClinVar:

ClinVar aggregate classification (germline): Likely benign (1 of 4 stars; one submission).

Submission:

CeGaT Center for Human Genetics Tuebingen
Classification: Likely benign. Last evaluated: 2024-05-01. Review status: criteria provided, single submitter. Criteria: CeGaT Center For Human Genetics Tuebingen Variant Classification Criteria Version 2. Collection method: clinical testing. Allele origin: germline. Affected: yes. Observed: 1 variant allele.
Comment: ZNF469: PM2:Supporting, BP4, BP7

NM_001367624.2(ZNF469):c.7971A>G (p.Ser2657=)

Gene: ZNF469 (zinc finger protein 469; plus strand). Cytogenetic location: 16q24.2.
Variant type: single nucleotide variant.
Coding change: c.7971A>G on transcript NM_001367624.2 (MANE Select); coding-DNA position 7971, A replaced by G.
Protein change: p.Ser2657=; no amino-acid change (serine 2657 retained).
Molecular consequence: synonymous variant.
Genome position (GRCh38, 1-based): chr16:88,435,441, A>G. VCF-style: chr16-88435441-A-G. GRCh37 (hg19) VCF-style: chr16-88501849-A-G.
Identifiers: ClinVar variation 3239477 (VCV003239477.19), dbSNP rs2507598087.
Genomic context (GRCh38, chr16:88,435,441, plus strand): 5'-GCTGAGAGGGAGAAGGCTCCGGGAGGAGAGCATTCTTCCAGTCTCTGCTGATGTGATTTC[A>G]GATGGGCGCGGCTCCAGACCATCCCCTGCAATGGCCAGTTACGCAGCCTCTCCGAGCCAC-3'
Protein context (NP_001354553.1, residues 2647-2667): SILPVSADVI[Ser2657=]DGRGSRPSPA